The following is an entry in ClinVar:

NM_032043.3(BRIP1):c.1890A>C (p.Thr630=)

Gene: BRIP1 (BRCA1 interacting DNA helicase 1; minus strand). Cytogenetic location: 17q23.2.
Variant type: single nucleotide variant.
Coding change: c.1890A>C on transcript NM_032043.3 (MANE Select); coding-DNA position 1890, A replaced by C.
Protein change: p.Thr630=; no amino-acid change (threonine 630 retained).
Molecular consequence: synonymous variant.
Genome position (GRCh38, 1-based): chr17:61,780,306, T>G on the plus strand (A>C on the coding strand, the complement: BRIP1 is on the minus strand). VCF-style: chr17-61780306-T-G. GRCh37 (hg19) VCF-style: chr17-59857667-T-G.
Identifiers: ClinVar variation 479464 (VCV000479464.6), dbSNP rs145796331, ClinGen allele CA501150323.
Genomic context (GRCh38, chr17:61,780,306, plus strand): 5'-AAAACAACAACTAACCTGTGAATTTTTAATGATATGATTAGCCTCCAGCTGGATAGTAAA[T>G]GTAACACCAAGTTCTGACGAAAAGGATTTCATTGGTGATAATGTACCAGATGTCAAAACA-3'
Protein context (NP_114432.2, residues 620-640): MKSFSSELGV[Thr630=]FTIQLEANHI

ClinVar aggregate classification (germline): Benign/Likely benign. Review status: criteria provided, multiple submitters, no conflicts (2 of 4 stars). 2 submissions from 2 submitters: Benign (1); Likely benign (1). Last evaluated 2024-08-30.

Conditions:
Hereditary cancer-predisposing syndrome. Also called: Neoplastic Syndromes, Hereditary; Hereditary Cancer Syndrome; Hereditary neoplastic syndrome; Tumor predisposition. Identifiers: Orphanet 140162, MedGen C0027672, MeSH D009386, MONDO:0015356.
Familial cancer of breast. Also called: BREAST CANCER, FAMILIAL; hereditary breast carcinoma; Hereditary breast cancer. Identifiers: Orphanet 227535, MedGen C0346153, MONDO:0016419, OMIM 114480. Disease mechanism: loss of function.

Submissions (2):

Myriad Genetics, Inc.
Classification: Benign for Familial cancer of breast. Last evaluated: 2024-08-30. Review status: criteria provided, single submitter. Criteria: Myriad Autosomal Dominant, Autosomal Recessive and X-Linked Classification Criteria (2023). Collection method: clinical testing. Allele origin: unknown.
Comment: This variant is considered benign. This variant is a silent/synonymous amino acid change and it is not expected to impact splicing.

Ambry Genetics
Classification: Likely benign for Hereditary cancer-predisposing syndrome. Last evaluated: 2017-01-06. Review status: criteria provided, single submitter. Criteria: Ambry Variant Classification Scheme 2023. Collection method: clinical testing. Allele origin: germline.